The following is an entry in ClinVar:

ClinVar aggregate classification (germline): Pathogenic (1 of 4 stars; one submission).

Conditions:
Joubert syndrome. Also called: CEREBELLOPARENCHYMAL DISORDER IV; JOUBERT-BOLTSHAUSER SYNDROME; Familial aplasia of the vermis. Identifiers: Orphanet 475, MedGen C5979921, MONDO:0018772.
Nephronophthisis. Also called: Juvenile Nephronophthisis. Identifiers: Orphanet 655, MedGen C0687120, MONDO:0019005, HP:0000090.
Meckel-Gruber syndrome. Also called: DYSENCEPHALIA SPLANCHNOCYSTICA; GRUBER SYNDROME; Dysencephalia splachnocystica. Identifiers: Orphanet 564, MedGen C0265215, MONDO:0018921.

Submission:

Labcorp Genetics (formerly Invitae), Labcorp
Classification: Pathogenic for Joubert syndrome; Meckel-Gruber syndrome; Nephronophthisis. Last evaluated: 2023-12-13. Review status: criteria provided, single submitter. Criteria: Invitae Variant Classification Sherloc (09022015). Collection method: clinical testing. Allele origin: germline.
Comment: This sequence change creates a premature translational stop signal (p.Leu1866*) in the CEP290 gene. It is expected to result in an absent or disrupted protein product. Loss-of-function variants in CEP290 are known to be pathogenic (PMID: 16909394, 17345604, 20690115). This variant is not present in population databases (gnomAD no frequency). This variant has not been reported in the literature in individuals affected with CEP290-related conditions. For these reasons, this variant has been classified as Pathogenic.

Literature cited by the submitters: PubMed 16909394; PubMed 17345604; PubMed 20690115.

NM_025114.4(CEP290):c.5596del (p.Pro1865_Leu1866insTer)

Gene: CEP290 (centrosomal protein 290; minus strand). Cytogenetic location: 12q21.32.
Variant type: Deletion.
Coding change: c.5596del on transcript NM_025114.4 (MANE Select); coding-DNA position 5596, one base deleted (C; older notation c.5596delC).
Protein change: p.Pro1865_Leu1866insTer.
Molecular consequence: nonsense.
Genome position (GRCh38, 1-based): chr12:88,077,335, G deleted on the plus strand (C on the coding strand, the reverse complement: CEP290 is on the minus strand); the first of 4 consecutive G bases (chr12:88,077,335-88,077,338); deleting any one gives the same sequence. VCF-style (leftmost placement, unchanged base first): chr12-88077334-AG-A. GRCh37 (hg19) VCF-style: chr12-88471111-AG-A.
Identifiers: ClinVar variation 2942748 (VCV002942748.3), dbSNP rs2499843752, ClinGen allele CA2575242842.
Genomic context (GRCh38, chr12:88,077,334, plus strand): 5'-TTCTCTAGTTTTTTAACTTTCCTTTGGAGTTCTTCAATTAGACTTTGTTTATTATCTGTC[AG>A]GGGTTTGCCCTAAAAAATAAAATGTAACTTTATATTTTTACAAATAAATGTAAAACAAAA-3'